The following is an entry in ClinVar:

NM_199420.4(POLQ):c.5297T>C (p.Leu1766Ser)

Gene: POLQ (DNA polymerase theta; minus strand). Cytogenetic location: 3q13.33.
Variant type: single nucleotide variant.
Coding change: c.5297T>C on transcript NM_199420.4 (MANE Select); coding-DNA position 5297, T replaced by C.
Protein change: p.Leu1766Ser; replaces leucine 1766 with serine.
Molecular consequence: missense variant.
Genome position (GRCh38, 1-based): chr3:121,487,634, A>G on the plus strand (T>C on the coding strand, the complement: POLQ is on the minus strand). VCF-style: chr3-121487634-A-G. GRCh37 (hg19) VCF-style: chr3-121206481-A-G.
Other names: short protein forms L1766S.
Identifiers: ClinVar variation 3422628 (VCV003422628.1).

ClinVar aggregate classification (germline): Uncertain significance (1 of 4 stars; one submission).

Submission:

Ambry Genetics
Classification: Uncertain significance. Last evaluated: 2024-10-28. Review status: criteria provided, single submitter. Criteria: Ambry Variant Classification Scheme 2023. Collection method: clinical testing. Allele origin: germline.
Comment: The p.L1766S variant (also known as c.5297T>C), located in coding exon 16 of the POLQ gene, results from a T to C substitution at nucleotide position 5297. The leucine at codon 1766 is replaced by serine, an amino acid with dissimilar properties. This amino acid position is conserved. In addition, this alteration is predicted to be tolerated by in silico analysis. Based on the available evidence, the clinical significance of this variant remains unclear.